The following is an entry in ClinVar:

NM_000051.4(ATM):c.7351G>A (p.Ala2451Thr)

Genes: ATM (ATM serine/threonine kinase; plus strand), C11orf65 (chromosome 11 open reading frame 65; minus strand). Cytogenetic location: 11q22.3.
Variant type: single nucleotide variant.
Coding change: c.7351G>A on transcript NM_000051.4 (MANE Select); coding-DNA position 7351, G replaced by A.
Protein change: p.Ala2451Thr; replaces alanine 2451 with threonine.
Molecular consequence: missense variant. On other transcripts: intron variant (2).
Genome position (GRCh38, 1-based): chr11:108,330,257, G>A. VCF-style: chr11-108330257-G-A. GRCh37 (hg19) VCF-style: chr11-108200984-G-A.
Other names: c.7351G>A, p.Ala2451Thr (NM_001351834.2); c.641-21186C>T (NM_001330368.2); c.*38+4963C>T (NM_001351110.2); short protein forms A2451T.
Identifiers: ClinVar variation 963624 (VCV000963624.10), dbSNP rs587779862, ClinGen allele CA382559945.

ClinVar aggregate classification (germline): Uncertain significance (1 of 4 stars; one submission).

Conditions:
Ataxia-telangiectasia syndrome (AT). Also called: Ataxia-telangiectasia, complementation group D; AT, COMPLEMENTATION GROUP C; ATAXIA-TELANGIECTASIA, COMPLEMENTATION GROUP A; ATAXIA-TELANGIECTASIA, FRESNO VARIANT; Ataxia-telangiectasia; Ataxia telangiectasia (A-T). Identifiers: Orphanet 100, MedGen C0004135, MONDO:0008840, OMIM 208900.

Submission:

Labcorp Genetics (formerly Invitae), Labcorp
Classification: Uncertain significance for Ataxia-telangiectasia syndrome. Last evaluated: 2020-11-05. Review status: criteria provided, single submitter. Criteria: Invitae Variant Classification Sherloc (09022015). Collection method: clinical testing. Allele origin: germline.
Comment: In summary, the available evidence is currently insufficient to determine the role of this variant in disease. Therefore, it has been classified as a Variant of Uncertain Significance. Advanced modeling of protein sequence and biophysical properties (such as structural, functional, and spatial information, amino acid conservation, physicochemical variation, residue mobility, and thermodynamic stability) performed at Invitae indicates that this missense variant is not expected to disrupt ATM protein function. This variant has not been reported in the literature in individuals with ATM-related conditions. ClinVar contains an entry for this variant (Variation ID: 963624). This variant is not present in population databases (ExAC no frequency). This sequence change replaces alanine with threonine at codon 2451 of the ATM protein (p.Ala2451Thr). The alanine residue is moderately conserved and there is a small physicochemical difference between alanine and threonine.